The following is an entry in ClinVar:

ClinVar aggregate classification (germline): Uncertain significance (1 of 4 stars; one submission).

Submission:

GeneDx
Classification: Uncertain significance. Last evaluated: 2023-04-16. Review status: criteria provided, single submitter. Criteria: GeneDx Variant Classification Process June 2021. Collection method: clinical testing. Allele origin: germline. Affected: yes.
Comment: Not observed at significant frequency in large population cohorts (gnomAD); In silico analysis supports that this missense variant does not alter protein structure/function; Has not been previously published as pathogenic or benign to our knowledge

NM_001190274.2(FBXO11):c.407G>T (p.Arg136Leu)

Gene: FBXO11 (F-box protein 11; minus strand). Cytogenetic location: 2p16.3.
Variant type: single nucleotide variant.
Coding change: c.407G>T on transcript NM_001190274.2 (MANE Select); coding-DNA position 407, G replaced by T.
Protein change: p.Arg136Leu; replaces arginine 136 with leucine.
Molecular consequence: missense variant.
Genome position (GRCh38, 1-based): chr2:47,839,454, C>A on the plus strand (G>T on the coding strand, the complement: FBXO11 is on the minus strand). VCF-style: chr2-47839454-C-A. GRCh37 (hg19) VCF-style: chr2-48066593-C-A.
Other names: c.155G>T, p.Arg52Leu (NM_001374325.1, NM_025133.4); short protein forms R136L, R52L.
Identifiers: ClinVar variation 3343103 (VCV003343103.1).